The following is an entry in ClinVar:

ClinVar aggregate classification (germline): Uncertain significance (1 of 4 stars; one submission).

Allele frequency attached by ClinVar (database versions not stated): gnomAD exomes 0.00001 and 0.00002; TOPMed 0.00002; gnomAD 0.00003.
gnomAD v4.1: 33 of 1,612,086 alleles (0.002%); highest among the groups gnomAD compares: East Asian, 0.0045%; no homozygotes.

Submission:

Labcorp Genetics (formerly Invitae), Labcorp
Classification: Uncertain significance. Last evaluated: 2025-06-17. Review status: criteria provided, single submitter. Criteria: Invitae Variant Classification Sherloc (09022015). Collection method: clinical testing. Allele origin: germline.
Comment: This sequence change replaces glycine, which is neutral and non-polar, with serine, which is neutral and polar, at codon 221 of the GUCY2C protein (p.Gly221Ser). This variant is present in population databases (no rsID available, gnomAD 0.0009%). This variant has not been reported in the literature in individuals affected with GUCY2C-related conditions. ClinVar contains an entry for this variant (Variation ID: 1372904). Invitae Evidence Modeling of protein sequence and biophysical properties (such as structural, functional, and spatial information, amino acid conservation, physicochemical variation, residue mobility, and thermodynamic stability) indicates that this missense variant is not expected to disrupt GUCY2C protein function with a negative predictive value of 80%. In summary, the available evidence is currently insufficient to determine the role of this variant in disease. Therefore, it has been classified as a Variant of Uncertain Significance.

NM_004963.4(GUCY2C):c.661G>A (p.Gly221Ser)

Genes: GUCY2C (guanylate cyclase 2C; minus strand), GUCY2C-AS1 (GUCY2C antisense RNA 1; plus strand). Cytogenetic location: 12p12.3.
Variant type: single nucleotide variant.
Coding change: c.661G>A on transcript NM_004963.4 (MANE Select); coding-DNA position 661, G replaced by A.
Protein change: p.Gly221Ser; replaces glycine 221 with serine.
Molecular consequence: missense variant.
Genome position (GRCh38, 1-based): chr12:14,681,428, C>T on the plus strand (G>A on the coding strand, the complement: GUCY2C is on the minus strand). VCF-style: chr12-14681428-C-T. GRCh37 (hg19) VCF-style: chr12-14834362-C-T.
Other names: short protein forms G221S.
Identifiers: ClinVar variation 1372904 (VCV001372904.8), dbSNP rs919162137, ClinGen allele CA233236080.